The following is an entry in ClinVar:

NM_000097.7(CPOX):c.828G>T (p.Trp276Cys)

Gene: CPOX (coproporphyrinogen oxidase; minus strand). Cytogenetic location: 3q11.2.
Variant type: single nucleotide variant.
Coding change: c.828G>T on transcript NM_000097.7 (MANE Select); coding-DNA position 828, G replaced by T.
Protein change: p.Trp276Cys; replaces tryptophan 276 with cysteine.
Molecular consequence: missense variant.
Genome position (GRCh38, 1-based): chr3:98,588,838, C>A on the plus strand (G>T on the coding strand, the complement: CPOX is on the minus strand). VCF-style: chr3-98588838-C-A. GRCh37 (hg19) VCF-style: chr3-98307682-C-A.
Other names: short protein forms W276C.
Identifiers: ClinVar variation 3652521 (VCV003652521.2).

ClinVar aggregate classification (germline): Uncertain significance (1 of 4 stars; one submission).

Submission:

Labcorp Genetics (formerly Invitae), Labcorp
Classification: Uncertain significance. Last evaluated: 2024-05-07. Review status: criteria provided, single submitter. Criteria: Invitae Variant Classification Sherloc (09022015). Collection method: clinical testing. Allele origin: germline.
Comment: This sequence change replaces tryptophan, which is neutral and slightly polar, with cysteine, which is neutral and slightly polar, at codon 276 of the CPOX protein (p.Trp276Cys). This variant is not present in population databases (gnomAD no frequency). This variant has not been reported in the literature in individuals affected with CPOX-related conditions. Advanced modeling of protein sequence and biophysical properties (such as structural, functional, and spatial information, amino acid conservation, physicochemical variation, residue mobility, and thermodynamic stability) performed at Invitae indicates that this missense variant is expected to disrupt CPOX protein function with a positive predictive value of 80%. In summary, the available evidence is currently insufficient to determine the role of this variant in disease. Therefore, it has been classified as a Variant of Uncertain Significance.